The following is an entry in ClinVar:

NM_001242896.3(DEPDC5):c.4408C>T (p.His1470Tyr)

Gene: DEPDC5 (DEP domain containing 5, GATOR1 subcomplex subunit; plus strand). Cytogenetic location: 22q12.3.
Variant type: single nucleotide variant.
Coding change: c.4408C>T on transcript NM_001242896.3 (MANE Select); coding-DNA position 4408, C replaced by T.
Protein change: p.His1470Tyr; replaces histidine 1470 with tyrosine.
Molecular consequence: missense variant. On other transcripts: non-coding transcript variant (5).
Genome position (GRCh38, 1-based): chr22:31,901,774, C>T. VCF-style: chr22-31901774-C-T. GRCh37 (hg19) VCF-style: chr22-32297760-C-T.
Other names: c.4381C>T, p.His1461Tyr (NM_001136029.4); c.4108C>T, p.His1370Tyr (NM_001242897.2); c.4342C>T, p.His1448Tyr (NM_001363852.2, NM_001364320.2); c.4174C>T, p.His1392Tyr (NM_001363854.2, NM_001364319.2); c.4408C>T, p.His1470Tyr (NM_001364318.2); c.4324C>T, p.His1442Tyr (NM_001369901.1, NM_001369902.1); c.4315C>T, p.His1439Tyr (NM_001369903.1, NM_014662.6); short protein forms H1370Y, H1470Y, H1442Y, H1448Y, H1392Y, H1439Y, H1461Y.
Identifiers: ClinVar variation 421709 (VCV000421709.11), dbSNP rs1064795311, ClinGen allele CA16621114.

ClinVar aggregate classification (germline): Uncertain significance. Review status: criteria provided, multiple submitters, no conflicts (2 of 4 stars). 2 submissions from 2 submitters: Uncertain significance (2). Last evaluated 2025-10-22.

Conditions:
Familial focal epilepsy with variable foci (FPEVF). Identifiers: Orphanet 98820, MedGen C1858477, MONDO:0020310.

Submissions (2):

Labcorp Genetics (formerly Invitae), Labcorp
Classification: Uncertain significance for Familial focal epilepsy with variable foci. Last evaluated: 2025-10-22. Review status: criteria provided, single submitter. Criteria: Invitae Variant Classification Sherloc (09022015). Collection method: clinical testing. Allele origin: germline.
Comment: This sequence change replaces histidine, which is basic and polar, with tyrosine, which is neutral and polar, at codon 1470 of the DEPDC5 protein (p.His1470Tyr). This variant is not present in population databases (gnomAD no frequency). This variant has not been reported in the literature in individuals affected with DEPDC5-related conditions. ClinVar contains an entry for this variant (Variation ID: 421709). Experimental studies and prediction algorithms are not available or were not evaluated, and the functional significance of this variant is currently unknown. In summary, the available evidence is currently insufficient to determine the role of this variant in disease. Therefore, it has been classified as a Variant of Uncertain Significance.

GeneDx
Classification: Uncertain significance. Last evaluated: 2016-07-21. Review status: criteria provided, single submitter. Criteria: GeneDx Variant Classification (06012015). Collection method: clinical testing. Allele origin: germline. Affected: yes.
Comment: The H1470Y variant in the DEPDC5 gene has not been reported previously as a pathogenic variant, nor as a benign variant, to our knowledge. The H1470Y variant was not observed in approximately 6000 individuals of European and African American ancestry in the NHLBI Exome Sequencing Project, indicating it is not a common benign variant in these populations. The H1470Y variant is a non-conservative amino acid substitution, which is likely to impact secondary protein structure as these residues differ in polarity, charge, size and/or other properties. This substitution occurs at a position that is conserved in mammals. In silico analysis is inconsistent in its predictions as to whether or not the variant is damaging to the protein structure/function. We interpret H1470Y as a variant of uncertain significance.